The following is an entry in ClinVar:

NM_001042492.3(NF1):c.7286T>C (p.Phe2429Ser)

Gene: NF1 (neurofibromin 1; plus strand). Cytogenetic location: 17q11.2.
Variant type: single nucleotide variant.
Coding change: c.7286T>C on transcript NM_001042492.3 (MANE Select); coding-DNA position 7286, T replaced by C.
Protein change: p.Phe2429Ser; replaces phenylalanine 2429 with serine.
Molecular consequence: missense variant.
Genome position (GRCh38, 1-based): chr17:31,349,216, T>C. VCF-style: chr17-31349216-T-C. GRCh37 (hg19) VCF-style: chr17-29676234-T-C.
Other names: c.7223T>C, p.Phe2408Ser (NM_000267.4); short protein forms F2429S, F2408S.
Identifiers: ClinVar variation 2726581 (VCV002726581.3), dbSNP rs750058369, ClinGen allele CA399016854.
Genomic context (GRCh38, chr17:31,349,216, plus strand): 5'-CAGTCAGAATTTTACATACACTACTAACTCTGGTTAACAAACACAGAAATTGTGACAAAT[T>C]TGAAGTGAATACACAGAGCGTGGCCTACTTAGCAGGTAAAAACACAAAATAAACAAAATT-3'
Protein context (NP_001035957.1, residues 2419-2439): LVNKHRNCDK[Phe2429Ser]EVNTQSVAYL

ClinVar aggregate classification (germline): Uncertain significance (1 of 4 stars; one submission).

Conditions:
Neurofibromatosis, type 1 (NF1). Also called: Neurofibromatosis, type I; NEUROFIBROMATOSIS, TYPE I, SOMATIC; Peripheral type neurofibromatosis; VON RECKLINGHAUSEN DISEASE. Identifiers: Orphanet 636, MedGen C0027831, MONDO:0018975, OMIM 162200. Disease mechanism: loss of function.

gnomAD v4.1: 1 of 1,613,526 alleles (0.000062%); highest among the groups gnomAD compares: Non-Finnish European, 0.000085%; no homozygotes.

Submission:

Labcorp Genetics (formerly Invitae), Labcorp
Classification: Uncertain significance for Neurofibromatosis, type 1. Last evaluated: 2024-06-17. Review status: criteria provided, single submitter. Criteria: Invitae Variant Classification Sherloc (09022015). Collection method: clinical testing. Allele origin: germline.
Comment: This sequence change replaces phenylalanine, which is neutral and non-polar, with serine, which is neutral and polar, at codon 2408 of the NF1 protein (p.Phe2408Ser). This variant is not present in population databases (gnomAD no frequency). This variant has not been reported in the literature in individuals affected with NF1-related conditions. Advanced modeling of protein sequence and biophysical properties (such as structural, functional, and spatial information, amino acid conservation, physicochemical variation, residue mobility, and thermodynamic stability) performed at Invitae indicates that this missense variant is expected to disrupt NF1 protein function with a positive predictive value of 95%. In summary, the available evidence is currently insufficient to determine the role of this variant in disease. Therefore, it has been classified as a Variant of Uncertain Significance.